The following is an entry in ClinVar:

ClinVar aggregate classification (germline): Uncertain significance (1 of 4 stars; one submission).

Submission:

Labcorp Genetics (formerly Invitae), Labcorp
Classification: Uncertain significance. Last evaluated: 2024-02-06. Review status: criteria provided, single submitter. Criteria: Invitae Variant Classification Sherloc (09022015). Collection method: clinical testing. Allele origin: germline.
Comment: This sequence change replaces leucine, which is neutral and non-polar, with valine, which is neutral and non-polar, at codon 707 of the ITGAM protein (p.Leu707Val). This variant is not present in population databases (gnomAD no frequency). This variant has not been reported in the literature in individuals affected with ITGAM-related conditions. An algorithm developed to predict the effect of missense changes on protein structure and function (PolyPhen-2) suggests that this variant is likely to be disruptive. In summary, the available evidence is currently insufficient to determine the role of this variant in disease. Therefore, it has been classified as a Variant of Uncertain Significance.

NM_000632.4(ITGAM):c.2119C>G (p.Leu707Val)

Gene: ITGAM (integrin subunit alpha M; plus strand). Cytogenetic location: 16p11.2.
Variant type: single nucleotide variant.
Coding change: c.2119C>G on transcript NM_000632.4 (MANE Select); coding-DNA position 2119, C replaced by G.
Protein change: p.Leu707Val; replaces leucine 707 with valine.
Molecular consequence: missense variant.
Genome position (GRCh38, 1-based): chr16:31,324,515, C>G. VCF-style: chr16-31324515-C-G. GRCh37 (hg19) VCF-style: chr16-31335836-C-G.
Other names: c.2122C>G, p.Leu708Val (NM_001145808.2); short protein forms L708V, L707V.
Identifiers: ClinVar variation 3639312 (VCV003639312.2).